The following continues an entry in ClinVar:

NM_000303.3(PMM2):c.357C>A (p.Phe119Leu)

Gene: PMM2. ClinVar aggregate classification (germline): Pathogenic. Pathogenic (20).

Submissions 15 to 26 of 26:

Victorian Clinical Genetics Services, Murdoch Childrens Research Institute
Classification: Pathogenic for PMM2-congenital disorder of glycosylation. Last evaluated: 2017-07-05. Review status: criteria provided, single submitter. Criteria: ACMG Guidelines, 2015. Collection method: clinical testing. Allele origin: unknown. Inheritance: Autosomal recessive inheritance. Affected: yes. Observed: 1 variant allele.
Comment: The NM_000303.2(PMM2):c.357C>A missense variant was identified in exon 5 of the PMM2 gene. This substitution creates a minor amino acid change from a phenylalanine to a leucine at position 119, NP_000294.1(PMM2):p.(Phe119Leu). The phenylalanine at this position has moderate conservation (100 vertebrates, UCSC). In silico tools predict this variant to be deleterious (Polyphen, SIFT, Mutation Taster). This variant is not present in the gnomAD population database. It is situated in a PMM domain. It has been previously reported in multiple families with congenital disorder of glycosylation (ClinVar). In addition, functional studies show this variant in compound heterozygous state weakens quartenary structure, destabilises the protein and reduces enzyme activity (Andreotti. et al., (2013) and Noelle et al., (2005)). Based on current information and in association with the NM_000303.2(PMM2):c.470T>C missense variant, this variant has been classified as PATHOGENIC. The presence of these two variants suggests a possible compound heterozygous mode of inheritance which is consistent with congenital disorder of glycosylation.

Illumina Laboratory Services, Illumina
Classification: Pathogenic for PMM2-congenital disorder of glycosylation. Last evaluated: 2017-04-27. Review status: criteria provided, single submitter. Criteria: ICSL Variant Classification Criteria 09 May 2019. Collection method: clinical testing. Allele origin: germline.
Comment: As summarized by Matthijs et al. (2000), the PMM2 c.357C>A (p.Phe119Leu) missense variant has been reported across the literature in at least 82 patients with PMM2-associated congenital disorders of glycosylation from 68 families in 11 countries, and is considered a founder variant in Scandinavian populations. The variant was identified in a compound heterozygous state with the common p.Arg141His variant in 68 patients from 56 families; patients compound heterozygous for these variants account for 81%, 50%, 32%, and 30% of the genotypes observed in Denmark, the Netherlands, Sweden, and Germany, respectively. The p.Phe119Leu variant has also been reported in a homozygous state in four patients. The p.Phe119Leu variant is reported at a frequency of 0.00023 in the European (non-Finnish) population of the Exome Aggregation Consortium. In vitro functional studies in E. coli BL21 (DE3) cells demonstrated that the p.Phe119Leu variant results in 25% residual enzyme activity, reduced protein activity and stability, and altered protein quaternary structure as compared to wild type (Kjaergaard et al. 1999; Andreotti et al. 2013). Based on the collective evidence, the p.Phe119Leu variant is classified as pathogenic for congenital disorders of glycosylation, specifically for congenital disorders of glycosylation, type 1a. This variant was observed by ICSL as part of a predisposition screen in an ostensibly healthy population.

Courtagen Diagnostics Laboratory, Courtagen Life Sciences
Classification: Pathogenic for Congenital disorder of glycosylation, type Ia. Last evaluated: 2015-01-14. Review status: criteria provided, single submitter. Criteria: Courtagen Life Sciences Classifications. Collection method: clinical testing. Allele origin: germline.

Genome Diagnostics Laboratory, University Medical Center Utrecht
Classification: Pathogenic for PMM2-congenital disorder of glycosylation. Last evaluated: 2014-10-08. Review status: criteria provided, single submitter. Criteria: ACGS Guidelines, 2013. Collection method: clinical testing. Allele origin: germline. Affected: yes. Study: VKGL Data-share Consensus.

Ambry Genetics
Classification: Pathogenic for Inborn genetic diseases. Last evaluated: 2014-09-07. Review status: criteria provided, single submitter. Criteria: Ambry exome assertion method (8-5-2015). Collection method: clinical testing. Allele origin: germline. Affected: yes. Observed: 1 variant allele.

Eurofins Ntd Llc (ga)
Classification: Pathogenic. Last evaluated: 2013-06-07. Review status: criteria provided, single submitter. Criteria: EGL Classification Definitions. Collection method: clinical testing. Allele origin: germline. Observed: 2 variant alleles, 2 heterozygotes.

Genome Diagnostics Laboratory, Amsterdam University Medical Center
Classification: Pathogenic for PMM2-congenital disorder of glycosylation. Last evaluated: 2017-06-21. Review status: no assertion criteria provided. Criteria: ACGS Guidelines, 2013. Collection method: clinical testing. Allele origin: germline. Affected: yes. Study: VKGL Data-share Consensus. Not counted in ClinVar's aggregate classification.

OMIM
Classification: Pathogenic for CONGENITAL DISORDER OF GLYCOSYLATION, TYPE Ia. Last evaluated: 1998-07-01. Review status: no assertion criteria provided. Collection method: literature only. Allele origin: germline. Not counted in ClinVar's aggregate classification.

Clinical Genetics DNA and cytogenetics Diagnostics Lab, Erasmus MC, Erasmus Medical Center
Classification: Pathogenic. Review status: no assertion criteria provided. Collection method: clinical testing. Allele origin: germline. Affected: yes. Study: VKGL Data-share Consensus. Not counted in ClinVar's aggregate classification.

Diagnostic Laboratory, Department of Genetics, University Medical Center Groningen
Classification: Pathogenic for PMM2-congenital disorder of glycosylation. Review status: no assertion criteria provided. Collection method: clinical testing. Allele origin: germline. Affected: yes. Study: VKGL Data-share Consensus. Not counted in ClinVar's aggregate classification.

GeneReviews
No classification provided. Condition: PMM2-congenital disorder of glycosylation. Review status: no classification provided. Collection method: literature only. Allele origin: unknown. Not counted in ClinVar's aggregate classification.

Joint Genome Diagnostic Labs from Nijmegen and Maastricht, Radboudumc and MUMC+
Classification: Pathogenic. Review status: no assertion criteria provided. Collection method: clinical testing. Allele origin: germline. Affected: yes. Study: VKGL Data-share Consensus. Not counted in ClinVar's aggregate classification.

Literature cited by the submitters: PubMed 11058896 (cited by Natera, Inc.); PubMed 33643843 (cited by Natera, Inc.); PubMed 10602363 (cited by 3 submitters); PubMed 9140401 (cited by 3 submitters); PubMed 9781039 (cited by 5 submitters); PubMed 10801058 (cited by Labcorp Genetics (formerly Invitae), Labcorp and Dasa); PubMed 11517108 (cited by Labcorp Genetics (formerly Invitae), Labcorp and Dasa); PubMed 15645285 (cited by Labcorp Genetics (formerly Invitae), Labcorp and Dasa); PubMed 24498599 (cited by 5 submitters); PubMed 26488408 (cited by Labcorp Genetics (formerly Invitae), Labcorp and Dasa); PubMed 27053713 (cited by Labcorp Genetics (formerly Invitae), Labcorp and Dasa); PubMed 11058895 (cited by Illumina Laboratory Services, Illumina and Ambry Genetics); PubMed 9497260 (cited by OMIM and GeneReviews); PubMed 12244009 (cited by GeneReviews); PubMed 20301289 (cited by GeneReviews); NCBI Bookshelf NBK1110 (cited by GeneReviews).